The following is an entry in ClinVar:

NM_001267550.2(TTN):c.47684T>C (p.Ile15895Thr)

Genes: TTN (titin; minus strand), TTN-AS1 (TTN antisense RNA 1; plus strand). Cytogenetic location: 2q31.2.
Variant type: single nucleotide variant.
Coding change: c.47684T>C on transcript NM_001267550.2 (MANE Select); coding-DNA position 47684, T replaced by C.
Protein change: p.Ile15895Thr; replaces isoleucine 15895 with threonine.
Molecular consequence: missense variant.
Genome position (GRCh38, 1-based): chr2:178,617,401, A>G on the plus strand (T>C on the coding strand, the complement: TTN is on the minus strand). VCF-style: chr2-178617401-A-G. GRCh37 (hg19) VCF-style: chr2-179482128-A-G.
Other names: c.42761T>C, p.Ile14254Thr (NM_001256850.1); c.20489T>C, p.Ile6830Thr (NM_003319.4); c.39980T>C, p.Ile13327Thr (NM_133378.4); c.20864T>C, p.Ile6955Thr (NM_133432.3); c.21065T>C, p.Ile7022Thr (NM_133437.4); short protein forms I13327T, I15895T, I14254T, I7022T, I6955T, I6830T.
Identifiers: ClinVar variation 332853 (VCV000332853.7), dbSNP rs768530598, ClinGen allele CA1995008.
Genomic context (GRCh38, chr2:178,617,401, plus strand): 5'-GGGACAAGTTTCATATTGCAACGAATCCAATTATCTTTTCCTTCTTCGCATCGCTCAATT[A>G]TATAGCCTAATATTGGGCTTCCTCCATCTTTCAGAGGAGGTTCCCATTTGAGCTGAACTG-3'
Protein context (NP_001254479.2, residues 15885-15905): KDGGSPILGY[Ile15895Thr]IERCEEGKDN

ClinVar aggregate classification (germline): Conflicting classifications of pathogenicity. Review status: criteria provided, conflicting classifications (1 of 4 stars). 6 submissions from 2 submitters: Uncertain significance (4); Benign (2). Last evaluated 2020-06-01.

Conditions:
Early-onset myopathy with fatal cardiomyopathy (CMYO5). Also called: CONGENITAL MYOPATHY 5 WITH CARDIOMYOPATHY; Salih Myopathy. Identifiers: Orphanet 289377, MedGen C2673677, MONDO:0012714, OMIM 611705. Disease mechanism: loss of function.
Tibial muscular dystrophy (TMD). Also called: Udd Distal Myopathy – Tibial Muscular Dystrophy; UDD MYOPATHY; Tibial muscular dystrophy, tardive. Identifiers: Orphanet 609, MedGen C1838244, MONDO:0010870, OMIM 600334.
Autosomal recessive limb-girdle muscular dystrophy type 2J (LGMDR10). Also called: MUSCULAR DYSTROPHY, LIMB-GIRDLE, AUTOSOMAL RECESSIVE 10; Limb-girdle muscular dystrophy, type 2J. Identifiers: Orphanet 140922, MedGen C1837342, MONDO:0012127, OMIM 608807.
Dilated cardiomyopathy 1G (CMD1G). Identifiers: Orphanet 154, MedGen C1858763, MONDO:0011400, OMIM 604145.
Myopathy, myofibrillar, 9, with early respiratory failure (MFM9). Also called: Myopathy, distal, with early respiratory failure, autosomal dominant; Hereditary myopathy with early respiratory failure; EDSTROM MYOPATHY; MYOPATHY, PROXIMAL, WITH EARLY RESPIRATORY MUSCLE INVOLVEMENT. Identifiers: Orphanet 178464, Orphanet 34521, MedGen C1863599, MONDO:0011362, OMIM 603689.

Allele frequency attached by ClinVar (database versions not stated): gnomAD 0.00001; gnomAD exomes 0.00001; TOPMed 0.00001; ExAC 0.00003.
gnomAD v4.1: 14 of 1,588,060 alleles (0.00088%); highest among the groups gnomAD compares: Admixed American, 0.0019%; no homozygotes.

Submissions (6):

Revvity Omics, Revvity
Classification: Uncertain significance. Last evaluated: 2020-06-01. Review status: criteria provided, single submitter. Criteria: ACMG Guidelines, 2015. Collection method: clinical testing. Allele origin: germline.

Illumina Laboratory Services, Illumina
Classification: Uncertain significance for Dilated cardiomyopathy 1G. Last evaluated: 2018-01-13. Review status: criteria provided, single submitter. Criteria: ICSL Variant Classification Criteria 13 December 2019. Collection method: clinical testing. Allele origin: germline.

Illumina Laboratory Services, Illumina
Classification: Benign for Myopathy, myofibrillar, 9, with early respiratory failure. Last evaluated: 2018-01-13. Review status: criteria provided, single submitter. Criteria: ICSL Variant Classification Criteria 13 December 2019. Collection method: clinical testing. Allele origin: germline.
Comment: This variant was observed in the ICSL laboratory as part of a predisposition screen in an ostensibly healthy population. It had not been previously curated by ICSL or reported in the Human Gene Mutation Database (HGMD: prior to June 1st, 2018), and was therefore a candidate for classification through an automated scoring system. Utilizing variant allele frequency, disease prevalence and penetrance estimates, and inheritance mode, an automated score was calculated to assess if this variant is too frequent to cause the disease. Based on the score and internal cut-off values, a variant classified as benign is not then subjected to further curation. The score for this variant resulted in a classification of benign for this disease.

Illumina Laboratory Services, Illumina
Classification: Benign for Tibial muscular dystrophy. Last evaluated: 2018-01-13. Review status: criteria provided, single submitter. Criteria: ICSL Variant Classification Criteria 13 December 2019. Collection method: clinical testing. Allele origin: germline.
Comment: the same text as in the submission from Illumina Laboratory Services, Illumina above.

Illumina Laboratory Services, Illumina
Classification: Uncertain significance for Autosomal recessive limb-girdle muscular dystrophy type 2J. Last evaluated: 2018-01-13. Review status: criteria provided, single submitter. Criteria: ICSL Variant Classification Criteria 13 December 2019. Collection method: clinical testing. Allele origin: germline.

Illumina Laboratory Services, Illumina
Classification: Uncertain significance for Early-onset myopathy with fatal cardiomyopathy. Last evaluated: 2018-01-13. Review status: criteria provided, single submitter. Criteria: ICSL Variant Classification Criteria 13 December 2019. Collection method: clinical testing. Allele origin: germline.